The following is an entry in ClinVar:

ClinVar aggregate classification (germline): Conflicting classifications of pathogenicity. Review status: criteria provided, conflicting classifications (1 of 4 stars). 3 submissions from 3 submitters: Uncertain significance (2); Likely benign (1). Last evaluated 2024-09-14.

Conditions:
Cardiovascular phenotype. Identifiers: MedGen CN230736.
Arrhythmogenic cardiomyopathy with wooly hair and keratoderma. Also called: PALMOPLANTAR KERATODERMA WITH LEFT VENTRICULAR CARDIOMYOPATHY AND WOOLLY HAIR; Carvajal syndrome; Dilated cardiomyopathy with woolly hair and keratoderma; Arrhythmogenic cardiomyopathy with woolly hair and keratoderma. Identifiers: Orphanet 65282, MedGen C1854063, MONDO:0011581, OMIM 605676.
Arrhythmogenic right ventricular dysplasia 8 (ARVD8). Also called: Arrhythmogenic Right Ventricular Dysplasia/Cardiomyopathy 8; ARRHYTHMOGENIC RIGHT VENTRICULAR DYSPLASIA, FAMILIAL, 8; ARRHYTHMOGENIC RIGHT VENTRICULAR CARDIOMYOPATHY 8. Identifiers: MedGen C1843896, MONDO:0011831, OMIM 607450.

Allele frequency attached by ClinVar (database versions not stated): gnomAD exomes below 0.00001; TOPMed 0.00001.
gnomAD v4.1: 2 of 1,614,214 alleles (0.00012%); highest among the groups gnomAD compares: Admixed American, 0.0017%; no homozygotes.

Submissions (3):

Labcorp Genetics (formerly Invitae), Labcorp
Classification: Likely benign for Arrhythmogenic cardiomyopathy with wooly hair and keratoderma; Arrhythmogenic right ventricular dysplasia 8. Last evaluated: 2024-09-14. Review status: criteria provided, single submitter. Criteria: Invitae Variant Classification Sherloc (09022015). Collection method: clinical testing. Allele origin: germline.

All of Us Research Program, National Institutes of Health
Classification: Uncertain significance for Arrhythmogenic cardiomyopathy with wooly hair and keratoderma. Last evaluated: 2023-05-16. Review status: criteria provided, single submitter. Criteria: ACMG Guidelines, 2015. Collection method: clinical testing. Allele origin: germline. Inheritance: Autosomal dominant inheritance. Observed: 1 variant allele, 1 heterozygote.
Comment: This missense variant replaces lysine with arginine at codon 2112 of the DSP protein. Computational prediction suggests that this variant may not impact protein structure and function (internally defined REVEL score threshold <= 0.5, PMID: 27666373). To our knowledge, functional studies have not been reported for this variant. This variant has not been reported in individuals affected with DSP-related disorders in the literature. This variant has been identified in 1/251360 chromosomes in the general population by the Genome Aggregation Database (gnomAD). The available evidence is insufficient to determine the role of this variant in disease conclusively. Therefore, this variant is classified as a Variant of Uncertain Significance.

This study involves interpretation of variants in research participants for the purpose of population health screening. Participant phenotype was not available at the time of variant classification. Additional details can be found in publication PMID: 35346344, PMCID: PMC8962531

Ambry Genetics
Classification: Uncertain significance for Cardiovascular phenotype. Last evaluated: 2020-03-17. Review status: criteria provided, single submitter. Criteria: Ambry Variant Classification Scheme 2023. Collection method: clinical testing. Allele origin: germline.
Comment: The p.K2112R variant (also known as c.6335A>G), located in coding exon 24 of the DSP gene, results from an A to G substitution at nucleotide position 6335. The lysine at codon 2112 is replaced by arginine, an amino acid with highly similar properties. This amino acid position is well conserved in available vertebrate species; however, arginine is the reference amino acid in other vertebrate species. In addition, this alteration is predicted to be tolerated by in silico analysis. Since supporting evidence is limited at this time, the clinical significance of this alteration remains unclear.

NM_004415.4(DSP):c.6335A>G (p.Lys2112Arg)

Gene: DSP (desmoplakin; plus strand). Cytogenetic location: 6p24.3.
Variant type: single nucleotide variant.
Coding change: c.6335A>G on transcript NM_004415.4 (MANE Select); coding-DNA position 6335, A replaced by G.
Protein change: p.Lys2112Arg; replaces lysine 2112 with arginine.
Molecular consequence: missense variant.
Genome position (GRCh38, 1-based): chr6:7,583,597, A>G. VCF-style: chr6-7583597-A-G. GRCh37 (hg19) VCF-style: chr6-7583830-A-G.
Other names: c.4538A>G, p.Lys1513Arg (NM_001008844.3); c.5006A>G, p.Lys1669Arg (NM_001319034.2); short protein forms K2112R, K1513R, K1669R.
Identifiers: ClinVar variation 1752918 (VCV001752918.5), dbSNP rs1396179636, ClinGen allele CA362690577.